The following is an entry in ClinVar:

NM_198576.4(AGRN):c.4654C>T (p.Pro1552Ser)

Gene: AGRN (agrin; plus strand). Cytogenetic location: 1p36.33.
Variant type: single nucleotide variant.
Coding change: c.4654C>T on transcript NM_198576.4 (MANE Select); coding-DNA position 4654, C replaced by T.
Protein change: p.Pro1552Ser; replaces proline 1552 with serine.
Molecular consequence: missense variant.
Genome position (GRCh38, 1-based): chr1:1,049,705, C>T. VCF-style: chr1-1049705-C-T. GRCh37 (hg19) VCF-style: chr1-985085-C-T.
Other names: c.4654C>T, p.Pro1552Ser (NM_001305275.2); c.4339C>T, p.Pro1447Ser (NM_001364727.2); short protein forms P1552S, P1447S.
Identifiers: ClinVar variation 943087 (VCV000943087.8), dbSNP rs769748027, ClinGen allele CA509566.

ClinVar aggregate classification (germline): Uncertain significance. Review status: criteria provided, multiple submitters, no conflicts (2 of 4 stars). 2 submissions from 2 submitters: Uncertain significance (2). Last evaluated 2025-07-27.

Conditions:
Congenital myasthenic syndrome 8. Also called: MYASTHENIC SYNDROME, CONGENITAL, DUE TO AGRIN DEFICIENCY; Myasthenic syndrome, congenital, 8, with pre- and postsynaptic defects. Identifiers: Orphanet 590, MedGen C3808739, MONDO:0014052, OMIM 615120.

Allele frequency attached by ClinVar (database versions not stated): gnomAD exomes 0.00001 and 0.00002; gnomAD 0.00003; TOPMed 0.00005; ExAC 0.00006.
gnomAD v4.1: 26 of 1,577,874 alleles (0.0016%); highest among the groups gnomAD compares: African/African-American, 0.004%; no homozygotes.

Submissions (2):

GeneDx
Classification: Uncertain significance. Last evaluated: 2025-07-27. Review status: criteria provided, single submitter. Criteria: GeneDx Variant Classification Process June 2021. Collection method: clinical testing. Allele origin: germline. Affected: yes.
Comment: In silico analysis supports that this missense variant has a deleterious effect on protein structure/function; Has not been previously published as pathogenic or benign to our knowledge

Labcorp Genetics (formerly Invitae), Labcorp
Classification: Uncertain significance for Congenital myasthenic syndrome 8. Last evaluated: 2022-06-03. Review status: criteria provided, single submitter. Criteria: Invitae Variant Classification Sherloc (09022015). Collection method: clinical testing. Allele origin: germline.
Comment: This sequence change replaces proline, which is neutral and non-polar, with serine, which is neutral and polar, at codon 1552 of the AGRN protein (p.Pro1552Ser). The frequency data for this variant in the population databases is considered unreliable, as metrics indicate poor data quality at this position in the gnomAD database. This variant has not been reported in the literature in individuals affected with AGRN-related conditions. ClinVar contains an entry for this variant (Variation ID: 943087). Algorithms developed to predict the effect of missense changes on protein structure and function are either unavailable or do not agree on the potential impact of this missense change (SIFT: "Deleterious"; PolyPhen-2: "Probably Damaging"; Align-GVGD: "Class C0"). In summary, the available evidence is currently insufficient to determine the role of this variant in disease. Therefore, it has been classified as a Variant of Uncertain Significance.